The following is an entry in ClinVar:

NM_001615.4(ACTG2):c.1031G>C (p.Gly344Ala)

Gene: ACTG2 (actin gamma 2, smooth muscle; plus strand). Cytogenetic location: 2p13.1.
Variant type: single nucleotide variant.
Coding change: c.1031G>C on transcript NM_001615.4 (MANE Select); coding-DNA position 1031, G replaced by C.
Protein change: p.Gly344Ala; replaces glycine 344 with alanine.
Molecular consequence: missense variant.
Genome position (GRCh38, 1-based): chr2:73,919,475, G>C. VCF-style: chr2-73919475-G-C. GRCh37 (hg19) VCF-style: chr2-74146602-G-C.
Other names: c.902G>C, p.Gly301Ala (NM_001199893.2); short protein forms G301A, G344A.
Identifiers: ClinVar variation 1032761 (VCV001032761.1), dbSNP rs1680334812, ClinGen allele CA347295552.

ClinVar aggregate classification (germline): Uncertain significance (1 of 4 stars; one submission).

Conditions:
Visceral myopathy 1 (VSCM1). Also called: Visceral myopathy; Infantile visceral myopathy; ACTG2 Visceral Myopathy. Identifiers: Orphanet 2604, MedGen C5542197, MONDO:0020754, OMIM 155310.

Submission:

Baylor Genetics
Classification: Uncertain significance for Visceral myopathy 1. Last evaluated: 2018-12-18. Review status: criteria provided, single submitter. Criteria: ACMG Guidelines, 2015. Collection method: clinical testing. Allele origin: paternal. Affected: yes.
Comment: This variant was determined to be of uncertain significance according to ACMG Guidelines, 2015 [PMID:25741868].